The following is an entry in ClinVar:

ClinVar aggregate classification (germline): Uncertain significance (1 of 4 stars; one submission).

Submission:

GeneDx
Classification: Uncertain significance. Last evaluated: 2022-04-18. Review status: criteria provided, single submitter. Criteria: GeneDx Variant Classification Process June 2021. Collection method: clinical testing. Allele origin: germline. Affected: yes.
Comment: Has not been previously published as pathogenic or benign to our knowledge; Not observed at significant frequency in large population cohorts (gnomAD); In silico analysis supports that this missense variant has a deleterious effect on protein structure/function

NM_001292034.3(TAB2):c.1809G>C (p.Gln603His)

Gene: TAB2 (TGF-beta activated kinase 1 (MAP3K7) binding protein 2; plus strand). Cytogenetic location: 6q25.1.
Variant type: single nucleotide variant.
Coding change: c.1809G>C on transcript NM_001292034.3 (MANE Select); coding-DNA position 1809, G replaced by C.
Protein change: p.Gln603His; replaces glutamine 603 with histidine.
Molecular consequence: missense variant.
Genome position (GRCh38, 1-based): chr6:149,398,013, G>C. VCF-style: chr6-149398013-G-C. GRCh37 (hg19) VCF-style: chr6-149719149-G-C.
Other names: c.1713G>C, p.Gln571His (NM_001292035.3); c.1809G>C, p.Gln603His (NM_001369506.1, NM_015093.6); short protein forms Q571H, Q603H.
Identifiers: ClinVar variation 1712054 (VCV001712054.2), dbSNP rs758431462, ClinGen allele CA366004569.
Genomic context (GRCh38, chr6:149,398,013, plus strand): 5'-TAGAATTATTTTTCAGCTTGAAGAAATGCAGCAGCTGAGAAGTTGTAATAGACAACTCCA[G>C]ATTGACATTGACTGCTTAACCAAAGAAATTGATCTTTTTCAAGCCCGAGGTAAAGTTCAG-3'
Protein context (NP_001278963.1, residues 593-613): QQLRSCNRQL[Gln603His]IDIDCLTKEI